The following is an entry in ClinVar:

NM_000535.7(PMS2):c.1283A>G (p.His428Arg)

Gene: PMS2 (PMS1 homolog 2, mismatch repair system component; minus strand). Cytogenetic location: 7p22.1.
Variant type: single nucleotide variant.
Coding change: c.1283A>G on transcript NM_000535.7 (MANE Select); coding-DNA position 1283, A replaced by G.
Protein change: p.His428Arg; replaces histidine 428 with arginine.
Molecular consequence: missense variant. On other transcripts: non-coding transcript variant (1).
Genome position (GRCh38, 1-based): chr7:5,987,482, T>C on the plus strand (A>G on the coding strand, the complement: PMS2 is on the minus strand). VCF-style: chr7-5987482-T-C. GRCh37 (hg19) VCF-style: chr7-6027113-T-C.
Other names: c.878A>G, p.His293Arg (NM_001322003.2, NM_001322004.2, NM_001322005.2 and 1 more transcripts); c.1127A>G, p.His376Arg (NM_001322006.2); c.965A>G, p.His322Arg (NM_001322007.2, NM_001322008.2); c.722A>G, p.His241Arg (NM_001322010.2); c.350A>G, p.His117Arg (NM_001322011.2, NM_001322012.2); c.710A>G, p.His237Arg (NM_001322013.2); c.1283A>G, p.His428Arg (NM_001322014.2); c.974A>G, p.His325Arg (NM_001322015.2); short protein forms H117R, H237R, H241R, H293R, H322R, H325R, H376R, H428R.
Identifiers: ClinVar variation 661122 (VCV000661122.11), dbSNP rs1583322096, ClinGen allele CA366742420.

ClinVar aggregate classification (germline): Uncertain significance. Review status: criteria provided, multiple submitters, no conflicts (2 of 4 stars). 2 submissions from 2 submitters: Uncertain significance (2). Last evaluated 2022-11-22.

Conditions:
Hereditary nonpolyposis colorectal neoplasms. Identifiers: MedGen C0009405, MeSH D003123.
Hereditary cancer-predisposing syndrome. Also called: Neoplastic Syndromes, Hereditary; Tumor predisposition; Hereditary neoplastic syndrome; Hereditary Cancer Syndrome. Identifiers: Orphanet 140162, MedGen C0027672, MeSH D009386, MONDO:0015356.

Submissions (2):

Labcorp Genetics (formerly Invitae), Labcorp
Classification: Uncertain significance for Hereditary nonpolyposis colorectal neoplasms. Last evaluated: 2022-11-22. Review status: criteria provided, single submitter. Criteria: Invitae Variant Classification Sherloc (09022015). Collection method: clinical testing. Allele origin: germline.
Comment: In summary, the available evidence is currently insufficient to determine the role of this variant in disease. Therefore, it has been classified as a Variant of Uncertain Significance. Advanced modeling of protein sequence and biophysical properties (such as structural, functional, and spatial information, amino acid conservation, physicochemical variation, residue mobility, and thermodynamic stability) performed at Invitae indicates that this missense variant is not expected to disrupt PMS2 protein function. ClinVar contains an entry for this variant (Variation ID: 661122). This variant has not been reported in the literature in individuals affected with PMS2-related conditions. This variant is not present in population databases (gnomAD no frequency). This sequence change replaces histidine, which is basic and polar, with arginine, which is basic and polar, at codon 428 of the PMS2 protein (p.His428Arg).

Color Diagnostics, LLC DBA Color Health
Classification: Uncertain significance for Hereditary cancer-predisposing syndrome. Last evaluated: 2020-11-10. Review status: criteria provided, single submitter. Criteria: ACMG Guidelines, 2015. Collection method: clinical testing. Allele origin: germline.
Comment: This missense variant replaces histidine with arginine at codon 428 of the PMS2 protein. Computational prediction suggests that this variant may not impact protein structure and function (internally defined REVEL score threshold <= 0.5, PMID: 27666373). To our knowledge, functional studies have not been reported for this variant. This variant has not been reported in individuals affected with hereditary cancer in the literature. This variant has not been identified in the general population by the Genome Aggregation Database (gnomAD). The available evidence is insufficient to determine the role of this variant in disease conclusively. Therefore, this variant is classified as a Variant of Uncertain Significance.